The following is an entry in ClinVar:

ClinVar aggregate classification (germline): Likely pathogenic (3 of 4 stars; one submission).

Conditions:
Bernard Soulier syndrome (BSS). Also called: BLEEDING DISORDER, PLATELET-TYPE, 1; PLATELET GLYCOPROTEIN Ib DEFICIENCY; VON WILLEBRAND FACTOR RECEPTOR DEFICIENCY; Platelet Glycoprotein 1b, Deficiency of; Giant platelet syndrome; Hemorrhagiparous thrombocytic dystrophy. Identifiers: Orphanet 274, MedGen C0005129, MeSH D001606, MONDO:0009276, OMIM 231200.

Submission:

ClinGen Platelet Disorders Variant Curation Expert Panel, ClinGen
Classification: Likely pathogenic for Bernard Soulier syndrome. Last evaluated: 2026-04-02. Review status: reviewed by expert panel. Criteria: ClinGen Platelet ACMG Specifications GP1BA V1.0.0. Collection method: curation. Allele origin: germline. Inheritance: Autosomal recessive inheritance.
Comment: The NM_000173.7:c.387del (p.Ser130ArgfsTer18) variant in GP1BA is a frameshift variant that may cause a premature stop codon that is predicted to escape nonsense mediated decay, however the truncation includes the functionally important transmembrane domain (removes amino acids 532-553) in a gene where loss-of-function is an established disease mechanism (PVS1_Strong). The allele frequency of this variant in gnomAD v4 is 0.0000008476 (based on 1/1179862 alleles) in the European (non-Finnish) population, which is lower than the ClinGen PD VCEP threshold (<0.0001114; PM2_Supporting). At least one patient (Patient 26 in PMID:36430862 & Personal Communication) with this variant had aggregation absent for ristocetin and present for all other agonists, which is highly specific for Bernard-Soulier syndrome (PP4). Additionally, the patient had excessive mucocutaneous bleeding and macrothrombocytopenia which is consistent with Bernard-Soulier syndrome. This variant has been detected in the compound heterozygous state with the pathogenic c.1601_1602del (p.Tyr534CysfsTer?) variant (0.5 points PM3, PM3_Supporting; PMID:36430862). In summary, this variant meets the criteria to be classified as likely pathogenic for Bernard-Soulier syndrome. ACMG/AMP criteria applied, as specified by the ClinGen Platelet Disorders VCEP (specifications version 1.1.0) for GP1BA: PVS1_Strong, PP4, PM3_supporting, PM2_Supporting.

NM_000173.7(GP1BA):c.387del (p.Ser130fs)

Gene: GP1BA (glycoprotein Ib platelet subunit alpha; plus strand). Cytogenetic location: 17p13.2.
Variant type: Deletion.
Coding change: c.387del on transcript NM_000173.7 (MANE Select); coding-DNA position 387, one base deleted (C; older notation c.387delC).
Protein change: p.Ser130fs; shifts the reading frame from serine 130.
Molecular consequence: frameshift variant.
Genome position (GRCh38, 1-based): chr17:4,932,991, C deleted; the last of 2 consecutive C bases (chr17:4,932,990-4,932,991); deleting either gives the same sequence. VCF-style (leftmost placement, unchanged base first): chr17-4932989-AC-A. GRCh37 (hg19) VCF-style: chr17-4836284-AC-A.
Other names: NM_000173.7:c.387del; short protein forms S130fs.
Identifiers: ClinVar variation 4849253 (VCV004849253.1).
Genomic context (GRCh38, chr17:4,932,989, plus strand): 5'-CCCTTGCTAGGGCAGACACTGCCTGCTCTCACCGTCCTGGACGTCTCCTTCAACCGGCTG[AC>A]CTCGCTGCCTCTTGGTGCCCTGCGTGGTCTTGGCGAACTCCAAGAGCTCTACCTGAAAGG-3'